The following is an entry in ClinVar:

ClinVar aggregate classification (germline): Pathogenic (1 of 4 stars; one submission).

Conditions:
Neurofibromatosis, type 1 (NF1). Also called: VON RECKLINGHAUSEN DISEASE; Peripheral type neurofibromatosis; NEUROFIBROMATOSIS, TYPE I, SOMATIC; Neurofibromatosis, type I. Identifiers: Orphanet 636, MedGen C0027831, MONDO:0018975, OMIM 162200. Disease mechanism: loss of function.

Submission:

Labcorp Genetics (formerly Invitae), Labcorp
Classification: Pathogenic for Neurofibromatosis, type 1. Last evaluated: 2025-11-13. Review status: criteria provided, single submitter. Criteria: Invitae Variant Classification Sherloc (09022015). Collection method: clinical testing. Allele origin: germline.
Comment: This sequence change creates a premature translational stop signal (p.Asp2163Thrfs*16) in the NF1 gene. It is expected to result in an absent or disrupted protein product. Loss-of-function variants in NF1 are known to be pathogenic (PMID: 10712197, 23913538). This variant is not present in population databases (gnomAD no frequency). This variant has not been reported in the literature in individuals affected with NF1-related conditions. For these reasons, this variant has been classified as Pathogenic.

Literature cited by the submitters: PubMed 10712197; PubMed 23913538.

NM_001042492.3(NF1):c.6550del (p.Asp2184fs)

Gene: NF1 (neurofibromin 1; plus strand). Cytogenetic location: 17q11.2.
Variant type: Deletion.
Coding change: c.6550del on transcript NM_001042492.3 (MANE Select); coding-DNA position 6550, one base deleted (G; older notation c.6550delG).
Protein change: p.Asp2184fs; shifts the reading frame from aspartic acid 2184.
Molecular consequence: frameshift variant.
Genome position (GRCh38, 1-based): chr17:31,337,490, G deleted; the last of 3 consecutive G bases (chr17:31,337,488-31,337,490); deleting any one gives the same sequence. VCF-style (leftmost placement, unchanged base first): chr17-31337487-CG-C. GRCh37 (hg19) VCF-style: chr17-29664505-CG-C.
Other names: c.6487del, p.Asp2163fs (NM_000267.4); short protein forms D2184fs, D2163fs.
Identifiers: ClinVar variation 4731171 (VCV004731171.1).